The following is an entry in ClinVar:

NC_000016.9:g.(?_30760142)_(30768418_?)del

Gene: PHKG2 (phosphorylase kinase catalytic subunit gamma 2; plus strand). Cytogenetic location: 16p11.2.
Variant type: Deletion.
Identifiers: ClinVar variation 3243489 (VCV003243489.1).

ClinVar aggregate classification (germline): Pathogenic (1 of 4 stars; one submission).

Conditions:
Glycogen storage disease IXc (GSD9C). Also called: GSD IXc. Identifiers: Orphanet 264580, MedGen C2751643, MONDO:0013091, OMIM 613027.

Submission:

Labcorp Genetics (formerly Invitae), Labcorp
Classification: Pathogenic for Glycogen storage disease IXc. Last evaluated: 2023-02-02. Review status: criteria provided, single submitter. Criteria: Invitae Variant Classification Sherloc (09022015). Collection method: clinical testing. Allele origin: unknown.
Comment: A gross deletion of the genomic region encompassing the full coding sequence of the PHKG2 gene has been identified. Loss-of-function variants in PHKG2 are known to be pathogenic (PMID: 8896567, 17689125, 21646031). The boundaries of this event are unknown as they extend beyond the assayed region for this gene and therefore may encompass additional genes. This variant has not been reported in the literature in individuals affected with PHKG2-related conditions. For these reasons, this variant has been classified as Pathogenic.

Literature cited by the submitters: PubMed 8896567; PubMed 17689125; PubMed 21646031.